The following is an entry in ClinVar:

NM_001330078.2(NRXN1):c.299C>G (p.Pro100Arg)

Gene: NRXN1 (neurexin 1; minus strand). Cytogenetic location: 2p16.3.
Variant type: single nucleotide variant.
Coding change: c.299C>G on transcript NM_001330078.2 (MANE Select); coding-DNA position 299, C replaced by G.
Protein change: p.Pro100Arg; replaces proline 100 with arginine.
Molecular consequence: missense variant.
Genome position (GRCh38, 1-based): chr2:51,027,975, G>C on the plus strand (C>G on the coding strand, the complement: NRXN1 is on the minus strand). VCF-style: chr2-51027975-G-C. GRCh37 (hg19) VCF-style: chr2-51255113-G-C.
Other names: c.299C>G, p.Pro100Arg (NM_001330087.2, NM_001330088.2, NM_001330089.2 and 15 more transcripts); short protein forms P100R.
Identifiers: ClinVar variation 1051675 (VCV001051675.9), dbSNP rs2105332169, ClinGen allele CA346824278.

ClinVar aggregate classification (germline): Uncertain significance (1 of 4 stars; one submission).

Conditions:
Pitt-Hopkins-like syndrome 2 (PTHSL2). Identifiers: Orphanet 221150, Orphanet 600663, MedGen C3280479, MONDO:0013690, OMIM 614325.

gnomAD v4.1: 1 of 1,601,854 alleles (0.000062%); highest among the groups gnomAD compares: Non-Finnish European, 0.000085%; no homozygotes.

Submission:

Labcorp Genetics (formerly Invitae), Labcorp
Classification: Uncertain significance for Pitt-Hopkins-like syndrome 2. Last evaluated: 2021-03-06. Review status: criteria provided, single submitter. Criteria: Invitae Variant Classification Sherloc (09022015). Collection method: clinical testing. Allele origin: germline.
Comment: This sequence change replaces proline with arginine at codon 100 of the NRXN1 protein (p.Pro100Arg). The proline residue is highly conserved and there is a moderate physicochemical difference between proline and arginine. This variant is not present in population databases (ExAC no frequency). This variant has not been reported in the literature in individuals with NRXN1-related conditions. Algorithms developed to predict the effect of missense changes on protein structure and function are either unavailable or do not agree on the potential impact of this missense change (SIFT: "Tolerated"; PolyPhen-2: "Probably Damaging"; Align-GVGD: "Class C0"). In summary, the available evidence is currently insufficient to determine the role of this variant in disease. Therefore, it has been classified as a Variant of Uncertain Significance.